The following is an entry in ClinVar:

ClinVar aggregate classification (germline): Conflicting classifications of pathogenicity. Review status: criteria provided, conflicting classifications (1 of 4 stars). 4 submissions from 4 submitters: Uncertain significance (3); Likely benign (1). Last evaluated 2024-11-18.

Conditions:
UNC13D-related disorder. Also called: UNC13D-related condition.
Inborn genetic diseases. Identifiers: MedGen C0950123, MeSH D030342.
Familial hemophagocytic lymphohistiocytosis 3 (FHL3). Also called: UNC13D-Related Familial Hemophagocytic Lymphohistiocytosis (UNC13D-fHLH). Identifiers: Orphanet 540, MedGen C1837174, MONDO:0012146, OMIM 608898.

Allele frequency attached by ClinVar (database versions not stated): ExAC 0.00002; gnomAD 0.00002; gnomAD exomes 0.00002; TOPMed 0.00002; ESP Exome Variant Server 0.00008.
gnomAD v4.1: 24 of 1,387,678 alleles (0.0017%); highest among the groups gnomAD compares: East Asian, 0.0095%; 1 homozygote.

Submissions (4):

Labcorp Genetics (formerly Invitae), Labcorp
Classification: Uncertain significance for Familial hemophagocytic lymphohistiocytosis 3. Last evaluated: 2024-11-18. Review status: criteria provided, single submitter. Criteria: Invitae Variant Classification Sherloc (09022015). Collection method: clinical testing. Allele origin: germline.
Comment: This sequence change replaces valine, which is neutral and non-polar, with methionine, which is neutral and non-polar, at codon 91 of the UNC13D protein (p.Val91Met). This variant is present in population databases (rs374308904, gnomAD 0.01%). This variant has not been reported in the literature in individuals affected with UNC13D-related conditions. ClinVar contains an entry for this variant (Variation ID: 235323). Invitae Evidence Modeling of protein sequence and biophysical properties (such as structural, functional, and spatial information, amino acid conservation, physicochemical variation, residue mobility, and thermodynamic stability) indicates that this missense variant is not expected to disrupt UNC13D protein function with a negative predictive value of 80%. In summary, the available evidence is currently insufficient to determine the role of this variant in disease. Therefore, it has been classified as a Variant of Uncertain Significance.

Ambry Genetics
Classification: Likely benign for Inborn genetic diseases. Last evaluated: 2023-02-23. Review status: criteria provided, single submitter. Criteria: Ambry Variant Classification Scheme 2023. Collection method: clinical testing. Allele origin: germline.

PreventionGenetics, part of Exact Sciences
Classification: Uncertain significance for UNC13D-related condition. Last evaluated: 2023-01-04. Review status: criteria provided, single submitter. Criteria: ACMG Guidelines, 2015. Collection method: clinical testing. Allele origin: germline.
Comment: The UNC13D c.271G>A variant is predicted to result in the amino acid substitution p.Val91Met. To our knowledge, this variant has not been reported in the literature. This variant is reported in 0.010% of alleles in individuals of East Asian descent in gnomAD. At this time, the clinical significance of this variant is uncertain due to the absence of conclusive functional and genetic evidence.

Center for Pediatric Genomic Medicine, Children's Mercy Hospital and Clinics
Classification: Uncertain significance. Last evaluated: 2015-06-05. Review status: criteria provided, single submitter. Criteria: ACMG Guidelines, 2015. Collection method: clinical testing. Allele origin: germline.
ClinVar note: Converted during submission from Uncertain Significance to Uncertain significance.

NM_199242.3(UNC13D):c.271G>A (p.Val91Met)

Gene: UNC13D (unc-13 homolog D; minus strand). Cytogenetic location: 17q25.1.
Variant type: single nucleotide variant.
Coding change: c.271G>A on transcript NM_199242.3 (MANE Select); coding-DNA position 271, G replaced by A.
Protein change: p.Val91Met; replaces valine 91 with methionine.
Molecular consequence: missense variant.
Genome position (GRCh38, 1-based): chr17:75,843,064, C>T on the plus strand (G>A on the coding strand, the complement: UNC13D is on the minus strand). VCF-style: chr17-75843064-C-T. GRCh37 (hg19) VCF-style: chr17-73839145-C-T.
Other names: short protein forms V91M.
Identifiers: ClinVar variation 235323 (VCV000235323.13), dbSNP rs374308904, ClinGen allele CA8773546.